The following is an entry in ClinVar:

NM_001035.3(RYR2):c.1595C>A (p.Ser532Tyr)

Gene: RYR2 (ryanodine receptor 2; plus strand). Cytogenetic location: 1q43.
Variant type: single nucleotide variant.
Coding change: c.1595C>A on transcript NM_001035.3 (MANE Select); coding-DNA position 1595, C replaced by A.
Protein change: p.Ser532Tyr; replaces serine 532 with tyrosine.
Molecular consequence: missense variant.
Genome position (GRCh38, 1-based): chr1:237,456,718, C>A. VCF-style: chr1-237456718-C-A. GRCh37 (hg19) VCF-style: chr1-237620018-C-A.
Other names: short protein forms S532Y.
Identifiers: ClinVar variation 3070718 (VCV003070718.3), dbSNP rs751116149, ClinGen allele CA085827.

ClinVar aggregate classification (germline): Uncertain significance. Review status: criteria provided, multiple submitters, no conflicts (2 of 4 stars). 3 submissions from 3 submitters: Uncertain significance (3). Last evaluated 2025-07-17.

Conditions:
Catecholaminergic polymorphic ventricular tachycardia (CVPT). Also called: Catecholamine-induced polymorphic ventricular tachycardia. Identifiers: Orphanet 3286, MedGen C5574922, MONDO:0017990.
Cardiomyopathy (CMYO). Also called: Cardiomyopathies. Identifiers: Orphanet 167848, MedGen C0878544, MONDO:0004994, HP:0001638. Inheritance: Various modes of inheritance.
Catecholaminergic polymorphic ventricular tachycardia 1. Also called: VENTRICULAR TACHYCARDIA, CATECHOLAMINERGIC POLYMORPHIC, 1, WITH OR WITHOUT ATRIAL DYSFUNCTION AND/OR DILATED CARDIOMYOPATHY; RYR2-Related Catecholaminergic Polymorphic Ventricular Tachycardia; VENTRICULAR TACHYCARDIA, STRESS-INDUCED POLYMORPHIC 1. Identifiers: Orphanet 3286, MedGen C1631597, MONDO:0011484, OMIM 604772.

Allele frequency attached by ClinVar (database versions not stated): ExAC 0.00001.
gnomAD v4.1: 2 of 1,613,456 alleles (0.00012%); highest among the groups gnomAD compares: African/African-American, 0.0013%; no homozygotes.

Submissions (3):

Color Diagnostics, LLC DBA Color Health
Classification: Uncertain significance for Cardiomyopathy. Last evaluated: 2025-07-17. Review status: criteria provided, single submitter. Criteria: ACMG Guidelines, 2015. Collection method: clinical testing. Allele origin: germline.
Comment: This missense variant replaces serine with tyrosine at codon 532 of the RYR2 protein. Computational prediction is inconclusive regarding the impact of this variant on protein structure and function. To our knowledge, functional studies have not been reported for this variant. This variant has not been reported in individuals affected with RYR2-related disorders in the literature. This variant has been identified in 2/248594 chromosomes in the general population by the Genome Aggregation Database (gnomAD). The available evidence is insufficient to determine the role of this variant in disease conclusively. Therefore, this variant is classified as a Variant of Uncertain Significance.

Labcorp Genetics (formerly Invitae), Labcorp
Classification: Uncertain significance for Catecholaminergic polymorphic ventricular tachycardia 1. Last evaluated: 2025-03-26. Review status: criteria provided, single submitter. Criteria: Invitae Variant Classification Sherloc (09022015). Collection method: clinical testing. Allele origin: germline.
Comment: This sequence change replaces serine, which is neutral and polar, with tyrosine, which is neutral and polar, at codon 532 of the RYR2 protein (p.Ser532Tyr). This variant is present in population databases (rs751116149, gnomAD 0.007%). This variant has not been reported in the literature in individuals affected with RYR2-related conditions. ClinVar contains an entry for this variant (Variation ID: 3070718). Invitae Evidence Modeling of protein sequence and biophysical properties (such as structural, functional, and spatial information, amino acid conservation, physicochemical variation, residue mobility, and thermodynamic stability) has been performed for this missense variant. However, the output from this modeling did not meet the statistical confidence thresholds required to predict the impact of this variant on RYR2 protein function. In summary, the available evidence is currently insufficient to determine the role of this variant in disease. Therefore, it has been classified as a Variant of Uncertain Significance.

All of Us Research Program, National Institutes of Health
Classification: Uncertain significance for Catecholaminergic polymorphic ventricular tachycardia. Last evaluated: 2023-05-15. Review status: criteria provided, single submitter. Criteria: ACMG Guidelines, 2015. Collection method: clinical testing. Allele origin: germline. Inheritance: Autosomal dominant inheritance. Observed: 2 variant alleles, 2 heterozygotes.
Comment: This missense variant replaces serine with tyrosine at codon 532 of the RYR2 protein. Computational prediction is inconclusive regarding the impact of this variant on protein structure and function (internally defined REVEL score threshold 0.5 < inconclusive < 0.7, PMID: 27666373). To our knowledge, functional studies have not been reported for this variant. This variant has not been reported in individuals affected with RYR2-related disorders in the literature. This variant has been identified in 2/248594 chromosomes in the general population by the Genome Aggregation Database (gnomAD). The available evidence is insufficient to determine the role of this variant in disease conclusively. Therefore, this variant is classified as a Variant of Uncertain Significance.

This study involves interpretation of variants in research participants for the purpose of population health screening. Participant phenotype was not available at the time of variant classification. Additional details can be found in publication PMID: 35346344, PMCID: PMC8962531